The following is an entry in ClinVar:

ClinVar aggregate classification (germline): Uncertain significance (1 of 4 stars; one submission).

Conditions:
Wilson disease (WND). Also called: Wilson's disease. Identifiers: Orphanet 905, MedGen C0019202, MONDO:0010200, OMIM 277900. Disease mechanism: loss of function.

Submission:

All of Us Research Program, National Institutes of Health
Classification: Uncertain significance for Wilson disease. Last evaluated: 2023-12-13. Review status: criteria provided, single submitter. Criteria: ACMG Guidelines, 2015. Collection method: clinical testing. Allele origin: germline. Inheritance: Autosomal recessive inheritance. Observed: 2 variant alleles, 2 heterozygotes.
Comment: This missense variant replaces alanine with aspartic acid at codon 514 of the ATP7B protein. Computational prediction suggests that this variant may not impact protein structure and function (internally defined REVEL score threshold <= 0.5, PMID: 27666373). To our knowledge, functional studies have not been reported for this variant. This variant has not been reported in individuals affected with ATP7B-related disorders in the literature. This variant has not been identified in the general population by the Genome Aggregation Database (gnomAD). The available evidence is insufficient to determine the role of this variant in disease conclusively. Therefore, this variant is classified as a Variant of Uncertain Significance.

This study involves interpretation of variants in research participants for the purpose of population health screening. Participant phenotype was not available at the time of variant classification. Additional details can be found in publication PMID: 35346344, PMCID: PMC8962531

NM_000053.4(ATP7B):c.1541C>A (p.Ala514Asp)

Gene: ATP7B (ATPase copper transporting beta; minus strand). Cytogenetic location: 13q14.3.
Variant type: single nucleotide variant.
Coding change: c.1541C>A on transcript NM_000053.4 (MANE Select); coding-DNA position 1541, C replaced by A.
Protein change: p.Ala514Asp; replaces alanine 514 with aspartic acid.
Molecular consequence: missense variant. On other transcripts: intron variant (1).
Genome position (GRCh38, 1-based): chr13:51,970,494, G>T on the plus strand (C>A on the coding strand, the complement: ATP7B is on the minus strand). VCF-style: chr13-51970494-G-T. GRCh37 (hg19) VCF-style: chr13-52544630-G-T.
Other names: c.1208C>A, p.Ala403Asp (NM_001243182.2); c.1541C>A, p.Ala514Asp (NM_001005918.3, NM_001330578.2, NM_001330579.2 and 28 more transcripts); c.1445C>A, p.Ala482Asp (NM_001406517.1, NM_001406518.1, NM_001406536.1 and 3 more transcripts); c.1112C>A, p.Ala371Asp (NM_001406539.1); c.1285+3441C>A (NM_001406548.1); short protein forms A371D, A403D, A482D, A514D.
Identifiers: ClinVar variation 3071852 (VCV003071852.1), dbSNP rs959995775, ClinGen allele CA250065514.
Genomic context (GRCh38, chr13:51,970,494, plus strand): 5'-GAGAATACGAGGTCTATACGCAGCATTCCTAAGTTCAACATGGGCGTTCATCTCTTACCA[G>T]CTTCTTTCTGCAGATTCCTTTCTATGTTAGACACACAGGATGCACAGGTCATGCCTTTGA-3'
Protein context (NP_000044.2, residues 504-524): SNIERNLQKE[Ala514Asp]GVLSVLVALM